The following is an entry in ClinVar:

NM_001378778.1(MPDZ):c.1443T>G (p.Asp481Glu)

Gene: MPDZ (multiple PDZ domain crumbs cell polarity complex component; minus strand). Cytogenetic location: 9p23.
Variant type: single nucleotide variant.
Coding change: c.1443T>G on transcript NM_001378778.1 (MANE Select); coding-DNA position 1443, T replaced by G.
Protein change: p.Asp481Glu; replaces aspartic acid 481 with glutamic acid.
Molecular consequence: missense variant.
Genome position (GRCh38, 1-based): chr9:13,205,947, A>C on the plus strand (T>G on the coding strand, the complement: MPDZ is on the minus strand). VCF-style: chr9-13205947-A-C. GRCh37 (hg19) VCF-style: chr9-13205946-A-C.
Other names: c.1443T>G, p.Asp481Glu (NM_001261406.2, NM_001261407.2, NM_001330637.2 and 14 more transcripts); short protein forms D481E.
Identifiers: ClinVar variation 1951150 (VCV001951150.2), dbSNP rs1201565049, ClinGen allele CA372943092.

ClinVar aggregate classification (germline): Uncertain significance (1 of 4 stars; one submission).

Allele frequency attached by ClinVar (database versions not stated): gnomAD exomes below 0.00001; TOPMed below 0.00001; gnomAD 0.00001.
gnomAD v4.1: 3 of 1,608,370 alleles (0.00019%); highest among the groups gnomAD compares: African/African-American, 0.004%; no homozygotes.

Submission:

Labcorp Genetics (formerly Invitae), Labcorp
Classification: Uncertain significance. Last evaluated: 2022-06-27. Review status: criteria provided, single submitter. Criteria: Invitae Variant Classification Sherloc (09022015). Collection method: clinical testing. Allele origin: germline.
Comment: This sequence change replaces aspartic acid, which is acidic and polar, with glutamic acid, which is acidic and polar, at codon 481 of the MPDZ protein (p.Asp481Glu). This variant is present in population databases (no rsID available, gnomAD 0.007%). This variant has not been reported in the literature in individuals affected with MPDZ-related conditions. Algorithms developed to predict the effect of missense changes on protein structure and function (SIFT, PolyPhen-2, Align-GVGD) all suggest that this variant is likely to be tolerated. In summary, the available evidence is currently insufficient to determine the role of this variant in disease. Therefore, it has been classified as a Variant of Uncertain Significance.